The following is an entry in ClinVar:

ClinVar aggregate classification (germline): Benign (1 of 4 stars; one submission).

Allele frequency attached by ClinVar (database versions not stated): gnomAD 0.09338 and 0.09471; 1000 Genomes Project 30x 0.09525; 1000 Genomes Project 0.09844; TOPMed 0.09983.
gnomAD v4.1: 14,455 of 152,116 alleles (9.5%); highest among the groups gnomAD compares: Middle Eastern, 15%; 709 homozygotes.

Submission:

GeneDx
Classification: Benign. Last evaluated: 2018-06-19. Review status: criteria provided, single submitter. Criteria: GeneDx Variant Classification (06012015). Collection method: clinical testing. Allele origin: germline. Affected: yes.
Comment: This variant is considered likely benign or benign based on one or more of the following criteria: it is a conservative change, it occurs at a poorly conserved position in the protein, it is predicted to be benign by multiple in silico algorithms, and/or has population frequency not consistent with disease.

NM_005045.4(RELN):c.6073-322G>T

Gene: RELN (reelin; minus strand). Cytogenetic location: 7q22.1.
Variant type: single nucleotide variant.
Coding change: c.6073-322G>T on transcript NM_005045.4 (MANE Select); 322 bases into the intron before coding-DNA position 6073, G replaced by T.
Molecular consequence: intron variant.
Genome position (GRCh38, 1-based): chr7:103,551,618, C>A on the plus strand (G>T on the coding strand, the complement: RELN is on the minus strand). VCF-style: chr7-103551618-C-A. GRCh37 (hg19) VCF-style: chr7-103192065-C-A.
Other names: c.6073-322G>T (NM_173054.3).
Identifiers: ClinVar variation 674040 (VCV000674040.1), dbSNP rs7793133, ClinGen allele CA163902036.
Genomic context (GRCh38, chr7:103,551,618, plus strand): 5'-GGCTGGGACAATTCCAAATTTTACCTTTGGCCCATTTTCCTAGCCAAGCCAAGTAAATCA[C>A]AGTGAAAAGACTGTTTCCCTAATCCTAACTGTTAGCTTCCCCCCCATCTAGGTAGGATAC-3'